The following is an entry in ClinVar:

ClinVar aggregate classification (germline): Uncertain significance (1 of 4 stars; one submission).

Conditions:
Familial cancer of breast. Also called: Hereditary breast cancer; BREAST CANCER, FAMILIAL; hereditary breast carcinoma. Identifiers: Orphanet 227535, MedGen C0346153, MONDO:0016419, OMIM 114480. Disease mechanism: loss of function.
Fanconi anemia complementation group J. Also called: BRIP1-Related Fanconi Anemia. Identifiers: Orphanet 84, MedGen C1836860, MONDO:0012187, OMIM 609054.

Submission:

Labcorp Genetics (formerly Invitae), Labcorp
Classification: Uncertain significance for Familial cancer of breast; Fanconi anemia complementation group J. Last evaluated: 2018-10-16. Review status: criteria provided, single submitter. Criteria: Invitae Variant Classification Sherloc (09022015). Collection method: clinical testing. Allele origin: germline.
Comment: This sequence change replaces glutamine with leucine at codon 866 of the BRIP1 protein (p.Gln866Leu). The glutamine residue is highly conserved and there is a moderate physicochemical difference between glutamine and leucine. This variant is not present in population databases (ExAC no frequency). In summary, the available evidence is currently insufficient to determine the role of this variant in disease. Therefore, it has been classified as a Variant of Uncertain Significance. Algorithms developed to predict the effect of missense changes on protein structure and function are either unavailable or do not agree on the potential impact of this missense change (SIFT: "Tolerated"; PolyPhen-2: "Probably Damaging"; Align-GVGD: "Class C0"). This variant has not been reported in the literature in individuals with BRIP1-related disease.

NM_032043.3(BRIP1):c.2597A>T (p.Gln866Leu)

Gene: BRIP1 (BRCA1 interacting DNA helicase 1; minus strand). Cytogenetic location: 17q23.2.
Variant type: single nucleotide variant.
Coding change: c.2597A>T on transcript NM_032043.3 (MANE Select); coding-DNA position 2597, A replaced by T.
Protein change: p.Gln866Leu; replaces glutamine 866 with leucine.
Molecular consequence: missense variant.
Genome position (GRCh38, 1-based): chr17:61,686,144, T>A on the plus strand (A>T on the coding strand, the complement: BRIP1 is on the minus strand). VCF-style: chr17-61686144-T-A. GRCh37 (hg19) VCF-style: chr17-59763505-T-A.
Other names: short protein forms Q866L.
Identifiers: ClinVar variation 662652 (VCV000662652.9), dbSNP rs1603276987, ClinGen allele CA400481975.